The following is an entry in ClinVar:

ClinVar aggregate classification (germline): Uncertain significance (1 of 4 stars; one submission).

Conditions:
Hereditary cancer-predisposing syndrome. Also called: Tumor predisposition; Hereditary neoplastic syndrome; Hereditary Cancer Syndrome; Neoplastic Syndromes, Hereditary. Identifiers: Orphanet 140162, MedGen C0027672, MeSH D009386, MONDO:0015356.

Submission:

Ambry Genetics
Classification: Uncertain significance for Hereditary cancer-predisposing syndrome. Last evaluated: 2025-11-03. Review status: criteria provided, single submitter. Criteria: Ambry Variant Classification Scheme 2023. Collection method: clinical testing. Allele origin: germline.
Comment: The p.S337F variant (also known as c.1010C>T), located in coding exon 6 of the MSH3 gene, results from a C to T substitution at nucleotide position 1010. The serine at codon 337 is replaced by phenylalanine, an amino acid with highly dissimilar properties. This amino acid position is conserved. In addition, this alteration is predicted to be deleterious by in silico analysis. Based on the available evidence, the clinical significance of this variant remains unclear.

NM_002439.5(MSH3):c.1010C>T (p.Ser337Phe)

Genes: MSH3 (mutS homolog 3; plus strand), LOC126807437 (MED14-independent group 3 enhancer GRCh37_chr5:79968379-79969578; plus strand). Cytogenetic location: 5q14.1.
Variant type: single nucleotide variant.
Coding change: c.1010C>T on transcript NM_002439.5 (MANE Select); coding-DNA position 1010, C replaced by T.
Protein change: p.Ser337Phe; replaces serine 337 with phenylalanine.
Molecular consequence: missense variant.
Genome position (GRCh38, 1-based): chr5:80,672,841, C>T. VCF-style: chr5-80672841-C-T. GRCh37 (hg19) VCF-style: chr5-79968660-C-T.
Other names: short protein forms S337F.
Identifiers: ClinVar variation 3222221 (VCV003222221.2), dbSNP rs2546722986, ClinGen allele CA360267529.